The following is an entry in ClinVar:

ClinVar aggregate classification (germline): Uncertain significance (1 of 4 stars; one submission).

Conditions:
Hereditary cancer-predisposing syndrome. Also called: Neoplastic Syndromes, Hereditary; Tumor predisposition; Hereditary Cancer Syndrome; Hereditary neoplastic syndrome. Identifiers: Orphanet 140162, MedGen C0027672, MeSH D009386, MONDO:0015356.

Submission:

Ambry Genetics
Classification: Uncertain significance for Hereditary cancer-predisposing syndrome. Last evaluated: 2026-05-24. Review status: criteria provided, single submitter. Criteria: Ambry Variant Classification Scheme 2023. Collection method: clinical testing. Allele origin: germline.
Comment: The p.V1244D variant (also known as c.3731T>A), located in coding exon 18 of the BLM gene, results from a T to A substitution at nucleotide position 3731. The valine at codon 1244 is replaced by aspartic acid, an amino acid with highly dissimilar properties. This amino acid position is conserved. In addition, this alteration is predicted to be tolerated by in silico analysis. Based on the available evidence, the clinical significance of this variant remains unclear.

NM_000057.4(BLM):c.3731T>A (p.Val1244Asp)

Gene: BLM (BLM RecQ like helicase; plus strand). Cytogenetic location: 15q26.1.
Variant type: single nucleotide variant.
Coding change: c.3731T>A on transcript NM_000057.4 (MANE Select); coding-DNA position 3731, T replaced by A.
Protein change: p.Val1244Asp; replaces valine 1244 with aspartic acid.
Molecular consequence: missense variant. On other transcripts: intron variant (1).
Genome position (GRCh38, 1-based): chr15:90,804,339, T>A. VCF-style: chr15-90804339-T-A. GRCh37 (hg19) VCF-style: chr15-91347569-T-A.
Other names: c.3731T>A, p.Val1244Asp (NM_001287246.2); c.2606T>A, p.Val869Asp (NM_001287248.2); c.3359-4798T>A (NM_001287247.2); short protein forms V1244D, V869D.
Identifiers: ClinVar variation 4867462 (VCV004867462.1).